The following is an entry in ClinVar:

ClinVar aggregate classification (germline): Likely benign (0 of 4 stars; one submission).

Conditions:
EPPK1-related disorder. Also called: EPPK1-related condition.

Allele frequency attached by ClinVar (database versions not stated): TOPMed 0.00003; gnomAD 0.00005; ExAC 0.00019; 1000 Genomes Project 30x 0.00047; 1000 Genomes Project 0.00060.

Submission:

PreventionGenetics, part of Exact Sciences
Classification: Likely benign for EPPK1-related condition. Last evaluated: 2022-11-15. Review status: no assertion criteria provided. Collection method: clinical testing. Allele origin: germline.
Comment: This variant is classified as likely benign based on ACMG/AMP sequence variant interpretation guidelines (Richards et al. 2015 PMID: 25741868, with internal and published modifications).

NM_031308.4(EPPK1):c.4941C>T (p.Arg1647=)

Gene: EPPK1 (epiplakin 1; minus strand). Cytogenetic location: 8q24.3.
Variant type: single nucleotide variant.
Coding change: c.4941C>T on transcript NM_031308.4 (MANE Select); coding-DNA position 4941, C replaced by T.
Protein change: p.Arg1647=; no amino-acid change (arginine 1647 retained).
Molecular consequence: synonymous variant.
Genome position (GRCh38, 1-based): chr8:143,868,313, G>A on the plus strand (C>T on the coding strand, the complement: EPPK1 is on the minus strand). VCF-style: chr8-143868313-G-A. GRCh37 (hg19) VCF-style: chr8-144942481-G-A.
Identifiers: ClinVar variation 3058081 (VCV003058081.2), dbSNP rs571020254, ClinGen allele CA4922326.
Genomic context (GRCh38, chr8:143,868,313, plus strand): 5'-CATGGCCTGGAAGAGGGAGATCTGCTGCCCGGTATAGGGGTCGGTGTAGCCGGTGACGGC[G>A]CGCTCGGCCGACAGCAGCTTCACGTAGGTTTCTTTCCCGAACATTCCTGCTTTGAACGCC-3'
Protein context (NP_112598.3, residues 1637-1657): ETYVKLLSAE[Arg1647=]AVTGYTDPYT